The following is an entry in ClinVar:

ClinVar aggregate classification (germline): Likely benign (1 of 4 stars; one submission).

Submission:

CeGaT Center for Human Genetics Tuebingen
Classification: Likely benign. Last evaluated: 2025-06-01. Review status: criteria provided, single submitter. Criteria: CeGaT Center For Human Genetics Tuebingen Variant Classification Criteria Version 2. Collection method: clinical testing. Allele origin: germline. Affected: yes. Observed: 1 variant allele.
Comment: OTOG: PM2:Supporting, BP4, BP7

NM_001292063.2(OTOG):c.5958G>A (p.Leu1986=)

Gene: OTOG (otogelin; plus strand). Cytogenetic location: 11p15.1.
Variant type: single nucleotide variant.
Coding change: c.5958G>A on transcript NM_001292063.2 (MANE Select); coding-DNA position 5958, G replaced by A.
Protein change: p.Leu1986=; no amino-acid change (leucine 1986 retained).
Molecular consequence: synonymous variant.
Genome position (GRCh38, 1-based): chr11:17,611,258, G>A. VCF-style: chr11-17611258-G-A. GRCh37 (hg19) VCF-style: chr11-17632805-G-A.
Other names: c.5994G>A, p.Leu1998= (NM_001277269.2).
Identifiers: ClinVar variation 3905296 (VCV003905296.10).